The following is an entry in ClinVar:

ClinVar aggregate classification (germline): Uncertain significance. Review status: criteria provided, multiple submitters, no conflicts (2 of 4 stars). 3 submissions from 3 submitters: Uncertain significance (3). Last evaluated 2025-12-11.

Conditions:
Inborn genetic diseases. Identifiers: MedGen C0950123, MeSH D030342.
Jeune thoracic dystrophy. Also called: Infantile thoracic dystrophy; Thoracic pelvic phalangeal dystrophy; Jeune's syndrome; Chondroectodermal dysplasia-like syndrome; Short-rib thoracic dysplasia; Jeune syndrome. Identifiers: Orphanet 474, MedGen C0265275, MONDO:0018770.
Asphyxiating thoracic dystrophy 3. Also called: Saldino-Noonan Syndrome; SHORT-RIB THORACIC DYSPLASIA 3 WITH OR WITHOUT POLYDACTYLY; POLYDACTYLY WITH NEONATAL CHONDRODYSTROPHY, TYPE I; SHORT-RIB THORACIC DYSPLASIA 3/6 WITH POLYDACTYLY, DIGENIC; Short rib polydactyly syndrome 2B. Identifiers: Orphanet 474, Orphanet 93269, Orphanet 93270, Orphanet 93271, MedGen C0036069, MONDO:0013127, OMIM 613091.

Allele frequency attached by ClinVar (database versions not stated): gnomAD 0.00003; TOPMed 0.00003; ExAC 0.00005; gnomAD exomes 0.00005; ESP Exome Variant Server 0.00017.
gnomAD v4.1: 78 of 1,608,148 alleles (0.0049%); highest among the groups gnomAD compares: Non-Finnish European, 0.0065%; no homozygotes.

Submissions (3):

Ambry Genetics
Classification: Uncertain significance for Inborn genetic diseases. Last evaluated: 2025-12-11. Review status: criteria provided, single submitter. Criteria: Ambry Variant Classification Scheme 2023. Collection method: clinical testing. Allele origin: germline.

Fulgent Genetics
Classification: Uncertain significance for Asphyxiating thoracic dystrophy 3. Last evaluated: 2024-05-17. Review status: criteria provided, single submitter. Criteria: ACMG Guidelines, 2015. Collection method: clinical testing. Allele origin: germline.

Labcorp Genetics (formerly Invitae), Labcorp
Classification: Uncertain significance for Jeune thoracic dystrophy. Last evaluated: 2021-12-31. Review status: criteria provided, single submitter. Criteria: Invitae Variant Classification Sherloc (09022015). Collection method: clinical testing. Allele origin: germline.
Comment: This sequence change replaces lysine, which is basic and polar, with threonine, which is neutral and polar, at codon 3610 of the DYNC2H1 protein (p.Lys3610Thr). This variant is present in population databases (rs377671516, gnomAD 0.02%). This variant has not been reported in the literature in individuals affected with DYNC2H1-related conditions. Advanced modeling of protein sequence and biophysical properties (such as structural, functional, and spatial information, amino acid conservation, physicochemical variation, residue mobility, and thermodynamic stability) performed at Invitae indicates that this missense variant is not expected to disrupt DYNC2H1 protein function. In summary, the available evidence is currently insufficient to determine the role of this variant in disease. Therefore, it has been classified as a Variant of Uncertain Significance.

NM_001377.3(DYNC2H1):c.10808A>C (p.Lys3603Thr)

Gene: DYNC2H1 (dynein cytoplasmic 2 heavy chain 1; plus strand). Cytogenetic location: 11q22.3.
Variant type: single nucleotide variant.
Coding change: c.10808A>C on transcript NM_001377.3 (MANE Select); coding-DNA position 10808, A replaced by C.
Protein change: p.Lys3603Thr; replaces lysine 3603 with threonine.
Molecular consequence: missense variant.
Genome position (GRCh38, 1-based): chr11:103,282,225, A>C. VCF-style: chr11-103282225-A-C. GRCh37 (hg19) VCF-style: chr11-103152954-A-C.
Other names: c.10829A>C (NM_001080463.1); c.10829A>C, p.Lys3610Thr (NM_001080463.2); short protein forms K3603T, K3610T.
Identifiers: ClinVar variation 1933121 (VCV001933121.6), dbSNP rs377671516, ClinGen allele CA6255059.